The following is an entry in ClinVar:

NM_001042492.3(NF1):c.5936T>G (p.Ile1979Arg)

Gene: NF1 (neurofibromin 1; plus strand). Cytogenetic location: 17q11.2.
Variant type: single nucleotide variant.
Coding change: c.5936T>G on transcript NM_001042492.3 (MANE Select); coding-DNA position 5936, T replaced by G.
Protein change: p.Ile1979Arg; replaces isoleucine 1979 with arginine.
Molecular consequence: missense variant.
Genome position (GRCh38, 1-based): chr17:31,334,961, T>G. VCF-style: chr17-31334961-T-G. GRCh37 (hg19) VCF-style: chr17-29661979-T-G.
Other names: c.5873T>G, p.Ile1958Arg (NM_000267.4); short protein forms I1958R, I1979R.
Identifiers: ClinVar variation 2004294 (VCV002004294.4), dbSNP rs2508737144, ClinGen allele CA399010824.
Genomic context (GRCh38, chr17:31,334,961, plus strand): 5'-TTTGCAAGCATAATGATGATGCCAAACGACAAAGAGTTACTGCTATTCTTGACAAGCTGA[T>G]AACAATGACCATCAATGAAAAACAGATGTACCCATCTATTCAAGCAAAAATATGGGGAAG-3'
Protein context (NP_001035957.1, residues 1969-1989): QRVTAILDKL[Ile1979Arg]TMTINEKQMY

ClinVar aggregate classification (germline): Uncertain significance (1 of 4 stars; one submission).

Conditions:
Neurofibromatosis, type 1 (NF1). Also called: Neurofibromatosis, type I; Peripheral type neurofibromatosis; NEUROFIBROMATOSIS, TYPE I, SOMATIC; VON RECKLINGHAUSEN DISEASE. Identifiers: Orphanet 636, MedGen C0027831, MONDO:0018975, OMIM 162200. Disease mechanism: loss of function.

Submission:

Labcorp Genetics (formerly Invitae), Labcorp
Classification: Uncertain significance for Neurofibromatosis, type 1. Last evaluated: 2022-06-10. Review status: criteria provided, single submitter. Criteria: Invitae Variant Classification Sherloc (09022015). Collection method: clinical testing. Allele origin: germline.
Comment: In summary, the available evidence is currently insufficient to determine the role of this variant in disease. Therefore, it has been classified as a Variant of Uncertain Significance. Advanced modeling of protein sequence and biophysical properties (such as structural, functional, and spatial information, amino acid conservation, physicochemical variation, residue mobility, and thermodynamic stability) performed at Invitae indicates that this missense variant is expected to disrupt NF1 protein function. This variant has not been reported in the literature in individuals affected with NF1-related conditions. This variant is not present in population databases (gnomAD no frequency). This sequence change replaces isoleucine, which is neutral and non-polar, with arginine, which is basic and polar, at codon 1958 of the NF1 protein (p.Ile1958Arg).